The following is an entry in ClinVar:

ClinVar aggregate classification (germline): Uncertain significance (0 of 4 stars; one submission).

Conditions:
Atrial septal defect 4 (ASD4). Identifiers: Orphanet 1478, MedGen C1969657, MONDO:0012654, OMIM 611363.

Allele frequency attached by ClinVar (database versions not stated): gnomAD exomes below 0.00001.
gnomAD v4.1: 2 of 1,613,804 alleles (0.00012%); highest among the groups gnomAD compares: Non-Finnish European, 0.00017%; no homozygotes.

Submission:

Laboratory of Genomics, Instituto Nacional de Cardiología Ignacio Chávez
Classification: Uncertain significance for Atrial septal defect 4. Review status: no assertion criteria provided. Collection method: not provided. Allele origin: unknown.
ClinVar note: Converted during submission from unknown to Uncertain significance.

NM_001077653.2(TBX20):c.657A>C (p.Ile219=)

Gene: TBX20 (T-box transcription factor 20; minus strand). Cytogenetic location: 7p14.2.
Variant type: single nucleotide variant.
Coding change: c.657A>C on transcript NM_001077653.2 (MANE Select); coding-DNA position 657, A replaced by C.
Protein change: p.Ile219=; no amino-acid change (isoleucine 219 retained).
Molecular consequence: synonymous variant.
Genome position (GRCh38, 1-based): chr7:35,241,035, T>G on the plus strand (A>C on the coding strand, the complement: TBX20 is on the minus strand). VCF-style: chr7-35241035-T-G. GRCh37 (hg19) VCF-style: chr7-35280647-T-G.
Other names: c.657A>C, p.Ile219= (LRG_755t1, NM_001166220.1).
Identifiers: ClinVar variation 132832 (VCV000132832.2), dbSNP rs483353002, ClinGen allele CA156249.